The following is an entry in ClinVar:

ClinVar aggregate classification (germline): Uncertain significance. Review status: criteria provided, multiple submitters, no conflicts (2 of 4 stars). 2 submissions from 2 submitters: Uncertain significance (2). Last evaluated 2025-12-08.

Conditions:
Inborn genetic diseases. Identifiers: MedGen C0950123, MeSH D030342.

Submissions (2):

Ambry Genetics
Classification: Uncertain significance for Inborn genetic diseases. Last evaluated: 2025-12-08. Review status: criteria provided, single submitter. Criteria: Ambry Variant Classification Scheme 2023. Collection method: clinical testing. Allele origin: germline.

Labcorp Genetics (formerly Invitae), Labcorp
Classification: Uncertain significance. Last evaluated: 2023-11-14. Review status: criteria provided, single submitter. Criteria: Invitae Variant Classification Sherloc (09022015). Collection method: clinical testing. Allele origin: germline.
Comment: This sequence change replaces glutamic acid, which is acidic and polar, with glutamine, which is neutral and polar, at codon 793 of the C7 protein (p.Glu793Gln). This variant is not present in population databases (gnomAD no frequency). This variant has not been reported in the literature in individuals affected with C7-related conditions. Advanced modeling of protein sequence and biophysical properties (such as structural, functional, and spatial information, amino acid conservation, physicochemical variation, residue mobility, and thermodynamic stability) performed at Invitae indicates that this missense variant is not expected to disrupt C7 protein function with a negative predictive value of 80%. In summary, the available evidence is currently insufficient to determine the role of this variant in disease. Therefore, it has been classified as a Variant of Uncertain Significance.

NM_000587.4(C7):c.2377G>C (p.Glu793Gln)

Gene: C7 (complement C7; plus strand). Cytogenetic location: 5p13.1.
Variant type: single nucleotide variant.
Coding change: c.2377G>C on transcript NM_000587.4 (MANE Select); coding-DNA position 2377, G replaced by C.
Protein change: p.Glu793Gln; replaces glutamic acid 793 with glutamine.
Molecular consequence: missense variant.
Genome position (GRCh38, 1-based): chr5:40,981,418, G>C. VCF-style: chr5-40981418-G-C. GRCh37 (hg19) VCF-style: chr5-40981520-G-C.
Other names: short protein forms E793Q.
Identifiers: ClinVar variation 2991555 (VCV002991555.4), dbSNP rs2478288961, ClinGen allele CA359596147.